The following is an entry in ClinVar:

ClinVar aggregate classification (germline): Uncertain significance (1 of 4 stars; one submission).

Conditions:
Hereditary cancer-predisposing syndrome. Also called: Hereditary neoplastic syndrome; Neoplastic Syndromes, Hereditary; Tumor predisposition; Hereditary Cancer Syndrome. Identifiers: Orphanet 140162, MedGen C0027672, MeSH D009386, MONDO:0015356.

Submission:

Ambry Genetics
Classification: Uncertain significance for Hereditary cancer-predisposing syndrome. Last evaluated: 2014-04-22. Review status: criteria provided, single submitter. Criteria: Ambry Autosomal Dominant and X-Linked criteria (10/2015). Collection method: clinical testing. Allele origin: germline. Observed: 1 variant allele.
Comment: The p.C76Y variant (also known as c.227G>A), located in coding exon 2 of the BMPR1A gene, results from a G to A substitution at nucleotide position 227. The cysteine at codon 76 is replaced by tyrosine, an amino acid with highly dissimilar properties. This variant was not reported in population based cohorts in the following databases: Database of Single Nucleotide Polymorphisms (dbSNP), NHLBI Exome Sequencing Project (ESP), and 1000 Genomes Project. To date, this alteration has been detected with an allele frequency of approximately 0.01% (greater than 7500 alleles tested) in our clinical cohort (includes this individual). This amino acid position is completely conserved on sequence alignment. In addition, this alteration is predicted to be probably damaging and deleterious by PolyPhen and SIFT in silico analyses, respectively. Since supporting evidence is limited at this time, the clinical significance of p.C76Y remains unclear.

NM_004329.3(BMPR1A):c.227G>A (p.Cys76Tyr)

Gene: BMPR1A (bone morphogenetic protein receptor type 1A; plus strand). Cytogenetic location: 10q23.2.
Variant type: single nucleotide variant.
Coding change: c.227G>A on transcript NM_004329.3 (MANE Select); coding-DNA position 227, G replaced by A.
Protein change: p.Cys76Tyr; replaces cysteine 76 with tyrosine.
Molecular consequence: missense variant.
Genome position (GRCh38, 1-based): chr10:86,890,221, G>A. VCF-style: chr10-86890221-G-A. GRCh37 (hg19) VCF-style: chr10-88649978-G-A.
Other names: short protein forms C76Y.
Identifiers: ClinVar variation 184920 (VCV000184920.3), dbSNP rs786201792, ClinGen allele CA190470.